The following is an entry in ClinVar:

ClinVar aggregate classification (germline): Uncertain significance. Review status: criteria provided, multiple submitters, no conflicts (2 of 4 stars). 3 submissions from 3 submitters: Uncertain significance (3). Last evaluated 2025-06-05.

Conditions:
Cardiovascular phenotype. Identifiers: MedGen CN230736.
Aortic valve disease 2 (AOVD2). Identifiers: MedGen C3542024, MONDO:0013902, OMIM 614823.

Allele frequency attached by ClinVar (database versions not stated): gnomAD exomes below 0.00001; ExAC 0.00002.

Submissions (3):

Ambry Genetics
Classification: Uncertain significance for Cardiovascular phenotype. Last evaluated: 2025-06-05. Review status: criteria provided, single submitter. Criteria: Ambry Variant Classification Scheme 2023. Collection method: clinical testing. Allele origin: germline.

Labcorp Genetics (formerly Invitae), Labcorp
Classification: Uncertain significance for Aortic valve disease 2. Last evaluated: 2024-07-31. Review status: criteria provided, single submitter. Criteria: Invitae Variant Classification Sherloc (09022015). Collection method: clinical testing. Allele origin: germline.
Comment: This sequence change replaces leucine, which is neutral and non-polar, with phenylalanine, which is neutral and non-polar, at codon 304 of the TBX5 protein (p.Leu304Phe). This variant is present in population databases (rs752134526, gnomAD 0.006%). This variant has not been reported in the literature in individuals affected with TBX5-related conditions. Advanced modeling of protein sequence and biophysical properties (such as structural, functional, and spatial information, amino acid conservation, physicochemical variation, residue mobility, and thermodynamic stability) performed at Invitae indicates that this missense variant is not expected to disrupt TBX5 protein function with a negative predictive value of 80%. In summary, the available evidence is currently insufficient to determine the role of this variant in disease. Therefore, it has been classified as a Variant of Uncertain Significance.

GeneDx
Classification: Uncertain significance. Last evaluated: 2023-12-15. Review status: criteria provided, single submitter. Criteria: GeneDx Variant Classification Process June 2021. Collection method: clinical testing. Allele origin: germline. Affected: yes.
Comment: In silico analysis supports that this missense variant does not alter protein structure/function; Has not been previously published as pathogenic or benign to our knowledge

NM_181486.4(TBX5):c.910C>T (p.Leu304Phe)

Gene: TBX5 (T-box transcription factor 5; minus strand). Cytogenetic location: 12q24.21.
Variant type: single nucleotide variant.
Coding change: c.910C>T on transcript NM_181486.4 (MANE Select); coding-DNA position 910, C replaced by T.
Protein change: p.Leu304Phe; replaces leucine 304 with phenylalanine.
Molecular consequence: missense variant.
Genome position (GRCh38, 1-based): chr12:114,366,237, G>A on the plus strand (C>T on the coding strand, the complement: TBX5 is on the minus strand). VCF-style: chr12-114366237-G-A. GRCh37 (hg19) VCF-style: chr12-114804042-G-A.
Other names: c.910C>T, p.Leu304Phe (NM_000192.3); c.760C>T, p.Leu254Phe (NM_080717.4); short protein forms L254F, L304F.
Identifiers: ClinVar variation 3252997 (VCV003252997.4), dbSNP rs752134526.